The following is an entry in ClinVar:

NM_172107.4(KCNQ2):c.1123C>T (p.Gln375Ter)

Gene: KCNQ2 (potassium voltage-gated channel subfamily Q member 2; minus strand). Cytogenetic location: 20q13.33.
Variant type: single nucleotide variant.
Coding change: c.1123C>T on transcript NM_172107.4 (MANE Select); coding-DNA position 1123, C replaced by T.
Protein change: p.Gln375Ter; replaces glutamine 375 with a stop codon.
Molecular consequence: nonsense. On other transcripts: intron variant (1).
Genome position (GRCh38, 1-based): chr20:63,431,365, G>A on the plus strand (C>T on the coding strand, the complement: KCNQ2 is on the minus strand). VCF-style: chr20-63431365-G-A. GRCh37 (hg19) VCF-style: chr20-62062718-G-A.
Other names: c.1123C>T, p.Gln375Ter (NM_001382235.1, NM_172106.3, NM_172108.5); c.1118+2444C>T (NM_004518.6); c.1123C>T (NM_172107.2); short protein forms Q375*.
Identifiers: ClinVar variation 1326320 (VCV001326320.5), dbSNP rs756360226, ClinGen allele CA409650702.
Genomic context (GRCh38, chr20:63,431,365, plus strand): 5'-CACACACACAGGGCTTCTGTCCATGCATTTCCTACCTGGAGGCCCCGTAGGTTTGAGTTT[G>A]CGAACTTTCAAGTGTTTCCACACACACAAAGGGAAAAGAACGGAAAATTTCAAAAAGAAC-3'

ClinVar aggregate classification (germline): Pathogenic/Likely pathogenic. Review status: criteria provided, multiple submitters, no conflicts (2 of 4 stars). 2 submissions from 2 submitters: Pathogenic (1); Likely pathogenic (1). Last evaluated 2024-04-10.

Conditions:
Inborn genetic diseases. Identifiers: MedGen C0950123, MeSH D030342.
Seizures, benign familial neonatal, 1. Also called: KCNQ2-Related Benign Familial Neonatal Epilepsy; KCNQ2-Related Self-Limited Familial Neonatal Epilepsy (SLFNE); Benign Neonatal Epilepsy 1; Seizures, benign neonatal, 1. Identifiers: Orphanet 1949, MedGen C3149074, MONDO:0007365, OMIM 121200.
Developmental and epileptic encephalopathy, 7 (DEE7). Also called: KCNQ2-Related Neonatal Epileptic Encephalopathy; KCNQ2-Related Neonatal-Onset Developmental and Epileptic Encephalopathy (NEO-DEE); Early infantile epileptic encephalopathy 7. Identifiers: Orphanet 439218, MedGen C3150986, MONDO:0013387, OMIM 613720.

Submissions (2):

Ambry Genetics
Classification: Pathogenic for Inborn genetic diseases. Last evaluated: 2024-04-10. Review status: criteria provided, single submitter. Criteria: Ambry Variant Classification Scheme 2023. Collection method: clinical testing. Allele origin: germline.
Comment: The c.1123C>T (p.Q375*) alteration, located in exon 9 (coding exon 9) of the KCNQ2 gene, consists of a C to T substitution at nucleotide position 1123. This changes the amino acid from a glutamine (Q) to a stop codon at amino acid position 375. This alteration is expected to result in loss of function by premature protein truncation or nonsense-mediated mRNA decay. This variant was not reported in population-based cohorts in the Genome Aggregation Database (gnomAD). Based on the available evidence, this alteration is classified as pathogenic.

Center for Molecular Medicine, Children’s Hospital of Fudan University
Classification: Likely pathogenic for Seizures, benign familial neonatal, 1; Developmental and epileptic encephalopathy, 7. Last evaluated: 2021-11-01. Review status: criteria provided, single submitter. Criteria: ACMG Guidelines, 2015. Collection method: clinical testing. Allele origin: unknown. Affected: yes.